The following is an entry in ClinVar:

ClinVar aggregate classification (germline): Uncertain significance (1 of 4 stars; one submission).

Conditions:
Charcot-Marie-Tooth disease dominant intermediate B (CMTDIB). Also called: CHARCOT-MARIE-TOOTH NEUROPATHY, DOMINANT INTERMEDIATE B; Charcot-Marie-Tooth disease dominant intermediate I; Charcot-Marie-Tooth disease dominant intermediate 1; CMT DI1. Identifiers: Orphanet 100044, Orphanet 228179, MedGen C1847902, MONDO:0011674, OMIM 606482.

Submission:

Labcorp Genetics (formerly Invitae), Labcorp
Classification: Uncertain significance for Charcot-Marie-Tooth disease dominant intermediate B. Last evaluated: 2018-12-25. Review status: criteria provided, single submitter. Criteria: Invitae Variant Classification Sherloc (09022015). Collection method: clinical testing. Allele origin: germline.
Comment: This sequence change replaces arginine with glycine at codon 290 of the DNM2 protein (p.Arg290Gly). The arginine residue is highly conserved and there is a moderate physicochemical difference between arginine and glycine. This variant is not present in population databases (ExAC no frequency). This variant has not been reported in the literature in individuals with DNM2-related conditions. Algorithms developed to predict the effect of missense changes on protein structure and function are either unavailable or do not agree on the potential impact of this missense change (SIFT: "Deleterious"; PolyPhen-2: "Possibly Damaging"; Align-GVGD: "Class C15"). In summary, the available evidence is currently insufficient to determine the role of this variant in disease. Therefore, it has been classified as a Variant of Uncertain Significance.

NM_001005361.3(DNM2):c.868C>G (p.Arg290Gly)

Gene: DNM2 (dynamin 2; plus strand). Cytogenetic location: 19p13.2.
Variant type: single nucleotide variant.
Coding change: c.868C>G on transcript NM_001005361.3 (MANE Select); coding-DNA position 868, C replaced by G.
Protein change: p.Arg290Gly; replaces arginine 290 with glycine.
Molecular consequence: missense variant.
Genome position (GRCh38, 1-based): chr19:10,786,582, C>G. VCF-style: chr19-10786582-C-G. GRCh37 (hg19) VCF-style: chr19-10897258-C-G.
Other names: c.868C>G, p.Arg290Gly (NM_001005360.3, NM_001005362.3, NM_001190716.2 and 1 more transcripts); short protein forms R290G.
Identifiers: ClinVar variation 647676 (VCV000647676.8), dbSNP rs587778235, ClinGen allele CA404046178.